The following is an entry in ClinVar:

ClinVar aggregate classification (germline): Uncertain significance. Review status: criteria provided, multiple submitters, no conflicts (2 of 4 stars). 2 submissions from 2 submitters: Uncertain significance (2). Last evaluated 2025-02-27.

Allele frequency attached by ClinVar (database versions not stated): gnomAD 0.00001; gnomAD exomes 0.00002; TOPMed 0.00003; ExAC 0.00004.
gnomAD v4.1: 16 of 1,612,024 alleles (0.00099%); highest among the groups gnomAD compares: Admixed American, 0.025%; no homozygotes.

Submissions (2):

Ambry Genetics
Classification: Uncertain significance. Last evaluated: 2025-02-27. Review status: criteria provided, single submitter. Criteria: Ambry Variant Classification Scheme 2023. Collection method: clinical testing. Allele origin: germline.

Labcorp Genetics (formerly Invitae), Labcorp
Classification: Uncertain significance. Last evaluated: 2024-07-09. Review status: criteria provided, single submitter. Criteria: Invitae Variant Classification Sherloc (09022015). Collection method: clinical testing. Allele origin: germline.
Comment: This sequence change replaces alanine, which is neutral and non-polar, with threonine, which is neutral and polar, at codon 372 of the RFWD3 protein (p.Ala372Thr). This variant is present in population databases (rs756287086, gnomAD 0.03%). This variant has not been reported in the literature in individuals affected with RFWD3-related conditions. An algorithm developed to predict the effect of missense changes on protein structure and function (PolyPhen-2) suggests that this variant is likely to be tolerated. In summary, the available evidence is currently insufficient to determine the role of this variant in disease. Therefore, it has been classified as a Variant of Uncertain Significance.

NM_018124.4(RFWD3):c.1114G>A (p.Ala372Thr)

Gene: RFWD3 (ring finger and WD repeat domain 3; minus strand). Cytogenetic location: 16q23.1.
Variant type: single nucleotide variant.
Coding change: c.1114G>A on transcript NM_018124.4 (MANE Select); coding-DNA position 1114, G replaced by A.
Protein change: p.Ala372Thr; replaces alanine 372 with threonine.
Molecular consequence: missense variant.
Genome position (GRCh38, 1-based): chr16:74,637,936, C>T on the plus strand (G>A on the coding strand, the complement: RFWD3 is on the minus strand). VCF-style: chr16-74637936-C-T. GRCh37 (hg19) VCF-style: chr16-74671834-C-T.
Other names: c.1114G>A (NM_018124.3); c.1114G>A, p.Ala372Thr (NM_001370534.1, NM_001370535.1, NM_001370536.1); c.280G>A, p.Ala94Thr (NM_001370537.1, NM_001370539.1, NM_001370540.1 and 3 more transcripts); short protein forms A94T, A372T.
Identifiers: ClinVar variation 2724629 (VCV002724629.4), dbSNP rs756287086, ClinGen allele CA8169315.